The following is an entry in ClinVar:

NM_006904.7(PRKDC):c.10912A>G (p.Lys3638Glu)

Gene: PRKDC (protein kinase, DNA-activated, catalytic subunit; minus strand). Cytogenetic location: 8q11.21.
Variant type: single nucleotide variant.
Coding change: c.10912A>G on transcript NM_006904.7 (MANE Select); coding-DNA position 10912, A replaced by G.
Protein change: p.Lys3638Glu; replaces lysine 3638 with glutamic acid.
Molecular consequence: missense variant.
Genome position (GRCh38, 1-based): chr8:47,785,308, T>C on the plus strand (A>G on the coding strand, the complement: PRKDC is on the minus strand). VCF-style: chr8-47785308-T-C. GRCh37 (hg19) VCF-style: chr8-48697869-T-C.
Other names: c.10912A>G, p.Lys3638Glu (NM_001081640.2); short protein forms K3638E.
Identifiers: ClinVar variation 2453383 (VCV002453383.2), dbSNP rs2551860923, ClinGen allele CA371131431.
Genomic context (GRCh38, chr8:47,785,308, plus strand): 5'-CACTGAGCTTCATTCTCAGTAGTTTAGAACCTCCTTTCCCAAAATGTTTATCAAATTCTT[T>C]TCCAAAAGTCTGAAATTAGTAAGAATTTACTATAAAGACTGATGTTTAGTTTGGACTTTG-3'
Protein context (NP_008835.5, residues 3628-3648): FRRKFIQTFG[Lys3638Glu]EFDKHFGKGG

ClinVar aggregate classification (germline): Uncertain significance (1 of 4 stars; one submission).

Submission:

Ambry Genetics
Classification: Uncertain significance. Last evaluated: 2023-02-21. Review status: criteria provided, single submitter. Criteria: Ambry Variant Classification Scheme 2023. Collection method: clinical testing. Allele origin: germline.
Comment: The p.K3638E variant (also known as c.10912A>G), located in coding exon 77 of the PRKDC gene, results from an A to G substitution at nucleotide position 10912. The lysine at codon 3638 is replaced by glutamic acid, an amino acid with similar properties. This amino acid position is conserved. In addition, the in silico prediction for this alteration is inconclusive. Since supporting evidence is limited at this time, the clinical significance of this alteration remains unclear.